The following is an entry in ClinVar:

NM_020778.5(ALPK3):c.268G>A (p.Glu90Lys)

Gene: ALPK3 (alpha kinase 3; plus strand). Cytogenetic location: 15q25.3.
Variant type: single nucleotide variant.
Coding change: c.268G>A on transcript NM_020778.5 (MANE Select); coding-DNA position 268, G replaced by A.
Protein change: p.Glu90Lys; replaces glutamic acid 90 with lysine.
Molecular consequence: missense variant.
Genome position (GRCh38, 1-based): chr15:84,827,569, G>A. VCF-style: chr15-84827569-G-A. GRCh37 (hg19) VCF-style: chr15-85370800-G-A.
Other names: short protein forms E90K.
Identifiers: ClinVar variation 1360425 (VCV001360425.12), dbSNP rs780318912, ClinGen allele CA7708911.

ClinVar aggregate classification (germline): Conflicting classifications of pathogenicity. Review status: criteria provided, conflicting classifications (1 of 4 stars). 5 submissions from 5 submitters: Uncertain significance (4); Likely benign (1). Last evaluated 2026-08-01.

Conditions:
Cardiovascular phenotype. Identifiers: MedGen CN230736.

gnomAD v4.1: 17 of 1,614,038 alleles (0.0011%); highest among the groups gnomAD compares: Middle Eastern, 0.017%; no homozygotes.

Submissions (5):

GeneDx
Classification: Uncertain significance. Last evaluated: 2026-08-01. Review status: criteria provided, single submitter. Criteria: GeneDx Variant Classification Process June 2021. Collection method: clinical testing. Allele origin: germline.
Comment: Has not been previously published as pathogenic or benign to our knowledge; In silico analysis supports that this missense variant has a deleterious effect on protein structure/function

Molecular Diagnostic Laboratory for Inherited Cardiovascular Disease, Montreal Heart Institute
Classification: Uncertain significance for Cardiovascular phenotype. Last evaluated: 2026-03-27. Review status: criteria provided, single submitter. Criteria: ACMG Guidelines, 2015. Collection method: clinical testing. Allele origin: germline. Affected: yes.
Comment: PM2, BP1

Labcorp Genetics (formerly Invitae), Labcorp
Classification: Uncertain significance. Last evaluated: 2026-01-06. Review status: criteria provided, single submitter. Criteria: Invitae Variant Classification Sherloc (09022015). Collection method: clinical testing. Allele origin: germline.
Comment: This sequence change replaces glutamic acid, which is acidic and polar, with lysine, which is basic and polar, at codon 292 of the ALPK3 protein (p.Glu292Lys). This variant is present in population databases (rs780318912, gnomAD 0.03%). This variant has not been reported in the literature in individuals affected with ALPK3-related conditions. ClinVar contains an entry for this variant (Variation ID: 1360425). An algorithm developed to predict the effect of missense changes on protein structure and function outputs the following: PolyPhen-2: "Benign". The lysine amino acid residue is found in multiple mammalian species, which suggests that this missense change does not adversely affect protein function. In summary, the available evidence is currently insufficient to determine the role of this variant in disease. Therefore, it has been classified as a Variant of Uncertain Significance.

Ambry Genetics
Classification: Uncertain significance for Cardiovascular phenotype. Last evaluated: 2024-02-21. Review status: criteria provided, single submitter. Criteria: Ambry Variant Classification Scheme 2023. Collection method: clinical testing. Allele origin: germline.

Blueprint Genetics
Classification: Likely benign. Last evaluated: 2022-12-12. Review status: criteria provided, single submitter. Criteria: ACMG Guidelines, 2015. Collection method: clinical testing. Allele origin: germline.